The following is an entry in ClinVar:

ClinVar aggregate classification (germline): Likely benign. Review status: criteria provided, multiple submitters, no conflicts (2 of 4 stars). 3 submissions from 3 submitters: Likely benign (3). Last evaluated 2025-05-01.

gnomAD v4.1: 151 of 1,613,848 alleles (0.0094%); highest among the groups gnomAD compares: Non-Finnish European, 0.012%; no homozygotes.

Submissions (3):

CeGaT Center for Human Genetics Tuebingen
Classification: Likely benign. Last evaluated: 2025-05-01. Review status: criteria provided, single submitter. Criteria: CeGaT Center For Human Genetics Tuebingen Variant Classification Criteria Version 2. Collection method: clinical testing. Allele origin: germline. Affected: yes. Observed: 1 variant allele.
Comment: CACNA1G: BP4, BP7

Women's Health and Genetics/Laboratory Corporation of America, LabCorp
Classification: Likely benign. Last evaluated: 2024-11-27. Review status: criteria provided, single submitter. Criteria: LabCorp Variant Classification Summary - May 2015. Collection method: clinical testing. Allele origin: germline.

Blueprint Genetics
Classification: Likely benign. Last evaluated: 2024-11-21. Review status: criteria provided, single submitter. Criteria: ACMG Guidelines, 2015. Collection method: clinical testing. Allele origin: germline.

NM_018896.5(CACNA1G):c.681C>T (p.Ile227=)

Gene: CACNA1G (calcium voltage-gated channel subunit alpha1 G; plus strand). Cytogenetic location: 17q21.33.
Variant type: single nucleotide variant.
Coding change: c.681C>T on transcript NM_018896.5 (MANE Select); coding-DNA position 681, C replaced by T.
Protein change: p.Ile227=; no amino-acid change (isoleucine 227 retained).
Molecular consequence: synonymous variant. On other transcripts: non-coding transcript variant (5).
Genome position (GRCh38, 1-based): chr17:50,571,972, C>T. VCF-style: chr17-50571972-C-T. GRCh37 (hg19) VCF-style: chr17-48649333-C-T.
Other names: c.681C>T, p.Ile227= (NM_001256324.2, NM_001256325.2, NM_001256326.2 and 24 more transcripts).
Identifiers: ClinVar variation 3629496 (VCV003629496.13).